The following is an entry in ClinVar:

NM_004104.5(FASN):c.985A>G (p.Met329Val)

Gene: FASN (fatty acid synthase; minus strand). Cytogenetic location: 17q25.3.
Variant type: single nucleotide variant.
Coding change: c.985A>G on transcript NM_004104.5 (MANE Select); coding-DNA position 985, A replaced by G.
Protein change: p.Met329Val; replaces methionine 329 with valine.
Molecular consequence: missense variant.
Genome position (GRCh38, 1-based): chr17:82,092,499, T>C on the plus strand (A>G on the coding strand, the complement: FASN is on the minus strand). VCF-style: chr17-82092499-T-C. GRCh37 (hg19) VCF-style: chr17-80050375-T-C.
Other names: short protein forms M329V.
Identifiers: ClinVar variation 1413916 (VCV001413916.6), dbSNP rs758988474, ClinGen allele CA8853286.
Genomic context (GRCh38, chr17:82,092,499, plus strand): 5'-GCCCAGCCCCACCTACCTTGGCCAGGGCTGCCAGCCCCGAGGCTGGCTCCGGGTGCCCCA[T>C]GTTGGACTTGGTGGAGCCGATGAGCAGCGGCTCCTGGCGGGTGGCGCACAGGGCTCGGGT-3'
Protein context (NP_004095.4, residues 319-339): PLLIGSTKSN[Met329Val]GHPEPASGLA

ClinVar aggregate classification (germline): Uncertain significance (1 of 4 stars; one submission).

Conditions:
Epileptic encephalopathy. Identifiers: MedGen C0543888, HP:0200134.

Allele frequency attached by ClinVar (database versions not stated): gnomAD 0.00001; gnomAD exomes 0.00001; TOPMed 0.00002; ExAC 0.00006.

Submission:

Labcorp Genetics (formerly Invitae), Labcorp
Classification: Uncertain significance for Epileptic encephalopathy. Last evaluated: 2025-03-27. Review status: criteria provided, single submitter. Criteria: Invitae Variant Classification Sherloc (09022015). Collection method: clinical testing. Allele origin: germline.
Comment: This sequence change replaces methionine, which is neutral and non-polar, with valine, which is neutral and non-polar, at codon 329 of the FASN protein (p.Met329Val). This variant is present in population databases (rs758988474, gnomAD 0.004%). This variant has not been reported in the literature in individuals affected with FASN-related conditions. ClinVar contains an entry for this variant (Variation ID: 1413916). An algorithm developed to predict the effect of missense changes on protein structure and function (PolyPhen-2) suggests that this variant is likely to be disruptive. In summary, the available evidence is currently insufficient to determine the role of this variant in disease. Therefore, it has been classified as a Variant of Uncertain Significance.